The following is an entry in ClinVar:

NM_001199107.2(TBC1D24):c.244G>T (p.Val82Leu)

Gene: TBC1D24 (TBC1 domain family member 24; plus strand). Cytogenetic location: 16p13.3.
Variant type: single nucleotide variant.
Coding change: c.244G>T on transcript NM_001199107.2 (MANE Select); coding-DNA position 244, G replaced by T.
Protein change: p.Val82Leu; replaces valine 82 with leucine.
Molecular consequence: missense variant.
Genome position (GRCh38, 1-based): chr16:2,496,392, G>T. VCF-style: chr16-2496392-G-T. GRCh37 (hg19) VCF-style: chr16-2546393-G-T.
Other names: c.244G>T, p.Val82Leu (NM_020705.3); short protein forms V82L.
Identifiers: ClinVar variation 207494 (VCV000207494.7), dbSNP rs747915584, ClinGen allele CA319011.
Genomic context (GRCh38, chr16:2,496,392, plus strand): 5'-ATTCCCTGCCGCACGGTCACGCCTGACGCCAGCGTGTACAGCGACATCGTGGGCAAGATC[G>T]TGGGCAAGCACAGCAGCAGCTGCCTGCCGCTGCCCGAGTTCGTGGACAACACGCAGGTGC-3'
Protein context (NP_001186036.1, residues 72-92): SVYSDIVGKI[Val82Leu]GKHSSSCLPL

ClinVar aggregate classification (germline): Uncertain significance (1 of 4 stars; one submission).

Conditions:
Autosomal dominant nonsyndromic hearing loss 65. Also called: Deafness, autosomal dominant 65; TBC1D24-Related Autosomal Dominant Nonsyndromic Hearing Loss (DFNA). Identifiers: Orphanet 90635, MedGen C3892048, MONDO:0014470, OMIM 616044.
Developmental and epileptic encephalopathy, 1 (DEE1). Also called: X-linked infantile spasms; West's syndrome; Tonic spasms with clustering, arrest of psychomotor development and hypsarrhythmia on EEG; X-Linked Infantile Spasm Syndrome; Epileptic encephalopathy, early infantile, 1; OHTAHARA SYNDROME, X-LINKED. Identifiers: MedGen C3463992, MONDO:0010632, OMIM 308350. Disease mechanism: loss of function.

Allele frequency attached by ClinVar (database versions not stated): TOPMed 0.00001.

Submission:

Labcorp Genetics (formerly Invitae), Labcorp
Classification: Uncertain significance for Developmental and epileptic encephalopathy, 1; Autosomal dominant nonsyndromic hearing loss 65. Last evaluated: 2025-12-22. Review status: criteria provided, single submitter. Criteria: Invitae Variant Classification Sherloc (09022015). Collection method: clinical testing. Allele origin: germline.
Comment: This sequence change replaces valine, which is neutral and non-polar, with leucine, which is neutral and non-polar, at codon 82 of the TBC1D24 protein (p.Val82Leu). This variant is present in population databases (no rsID available, gnomAD 0.009%). This variant has not been reported in the literature in individuals affected with TBC1D24-related conditions. ClinVar contains an entry for this variant (Variation ID: 207494). Invitae Evidence Modeling of protein sequence and biophysical properties (such as structural, functional, and spatial information, amino acid conservation, physicochemical variation, residue mobility, and thermodynamic stability) indicates that this missense variant is not expected to disrupt TBC1D24 protein function with a negative predictive value of 95%. In summary, the available evidence is currently insufficient to determine the role of this variant in disease. Therefore, it has been classified as a Variant of Uncertain Significance.